The following is an entry in ClinVar:

NC_000015.10:g.84817253C>T

Gene: ALPK3 (alpha kinase 3; plus strand). Cytogenetic location: 15q25.3.
Variant type: single nucleotide variant.
Genome position: GRCh38 VCF-style: chr15-84817253-C-T. GRCh37 (hg19) VCF-style: chr15-85360484-C-T.
Identifiers: ClinVar variation 1722039 (VCV001722039.6), dbSNP rs1249463407, ClinGen allele CA393368846.
Genomic context (GRCh38, chr15:84,817,253, plus strand): 5'-GGAGCGGACTCGGAGCCGGCCCTGGGGCGGGCACATGGGCCCCGGCGCCCCCCGGCGTCT[C>T]CAAGCCGCGCTGCCCGGGTCGGGCCAGGCCAGGGGAGGGACAGCAGCAGGTGACGACGGC-3'

ClinVar aggregate classification (germline): Uncertain significance (1 of 4 stars; one submission).

Submission:

Labcorp Genetics (formerly Invitae), Labcorp
Classification: Uncertain significance. Last evaluated: 2022-10-22. Review status: criteria provided, single submitter. Criteria: Invitae Variant Classification Sherloc (09022015). Collection method: clinical testing. Allele origin: germline.
Comment: This sequence change replaces serine, which is neutral and polar, with phenylalanine, which is neutral and non-polar, at codon 136 of the ALPK3 protein (p.Ser136Phe). This variant is not present in population databases (gnomAD no frequency). This variant has not been reported in the literature in individuals affected with ALPK3-related conditions. Algorithms developed to predict the effect of missense changes on protein structure and function are either unavailable or do not agree on the potential impact of this missense change (SIFT: "Tolerated"; PolyPhen-2: "Possibly Damaging"; Align-GVGD: "Class C0"). In summary, the available evidence is currently insufficient to determine the role of this variant in disease. Therefore, it has been classified as a Variant of Uncertain Significance.